The following is an entry in ClinVar:

NM_000444.6(PHEX):c.994G>T (p.Asp332Tyr)

Gene: PHEX (phosphate regulating endopeptidase X-linked; plus strand). Cytogenetic location: Xp22.11.
Variant type: single nucleotide variant.
Coding change: c.994G>T on transcript NM_000444.6 (MANE Select); coding-DNA position 994, G replaced by T.
Protein change: p.Asp332Tyr; replaces aspartic acid 332 with tyrosine.
Molecular consequence: missense variant.
Genome position (GRCh38, 1-based): chrX:22,099,066, G>T. VCF-style: chrX-22099066-G-T. GRCh37 (hg19) VCF-style: chrX-22117184-G-T.
Other names: c.994G>T, p.Asp332Tyr (NM_001282754.2); short protein forms D332Y.
Identifiers: ClinVar variation 4711337 (VCV004711337.1).
Genomic context (GRCh38, chrX:22,099,066, plus strand): 5'-TTCGACTGGCTGGGCTACATCAAGAAGGTCATTGACACCAGACTCTACCCCCATCTGAAA[G>T]ACATCAGCCCCTCCGAGAATGTGGTGGTCCGCGTCCCGCAGTACTTTAAAGATTTGTTTA-3'
Protein context (NP_000435.3, residues 322-342): IDTRLYPHLK[Asp332Tyr]ISPSENVVVR

ClinVar aggregate classification (germline): Uncertain significance (1 of 4 stars; one submission).

Submission:

Labcorp Genetics (formerly Invitae), Labcorp
Classification: Uncertain significance. Last evaluated: 2026-02-01. Review status: criteria provided, single submitter. Criteria: Invitae Variant Classification Sherloc (09022015). Collection method: clinical testing. Allele origin: germline.
Comment: This sequence change replaces aspartic acid, which is acidic and polar, with tyrosine, which is neutral and polar, at codon 332 of the PHEX protein (p.Asp332Tyr). This variant is not present in population databases (gnomAD no frequency). This variant has not been reported in the literature in individuals affected with PHEX-related conditions. Invitae Evidence Modeling of protein sequence and biophysical properties (such as structural, functional, and spatial information, amino acid conservation, physicochemical variation, residue mobility, and thermodynamic stability) has been performed for this missense variant. However, the output from this modeling did not meet the statistical confidence thresholds required to predict the impact of this variant on PHEX protein function. In summary, the available evidence is currently insufficient to determine the role of this variant in disease. Therefore, it has been classified as a Variant of Uncertain Significance.